The following is an entry in ClinVar:

ClinVar aggregate classification (germline): Uncertain significance. Review status: criteria provided, multiple submitters, no conflicts (2 of 4 stars). 3 submissions from 3 submitters: Uncertain significance (3). Last evaluated 2024-09-06.

Conditions:
Hereditary cancer-predisposing syndrome. Also called: Hereditary Cancer Syndrome; Neoplastic Syndromes, Hereditary; Tumor predisposition; Hereditary neoplastic syndrome. Identifiers: Orphanet 140162, MedGen C0027672, MeSH D009386, MONDO:0015356.
Familial cancer of breast. Also called: Hereditary breast cancer; BREAST CANCER, FAMILIAL; hereditary breast carcinoma. Identifiers: Orphanet 227535, MedGen C0346153, MONDO:0016419, OMIM 114480. Disease mechanism: loss of function.

Submissions (3):

Labcorp Genetics (formerly Invitae), Labcorp
Classification: Uncertain significance for Familial cancer of breast. Last evaluated: 2024-09-06. Review status: criteria provided, single submitter. Criteria: Invitae Variant Classification Sherloc (09022015). Collection method: clinical testing. Allele origin: germline.
Comment: This sequence change replaces glutamic acid, which is acidic and polar, with glutamine, which is neutral and polar, at codon 351 of the CHEK2 protein (p.Glu351Gln). This variant is not present in population databases (gnomAD no frequency). This variant has not been reported in the literature in individuals affected with CHEK2-related conditions. ClinVar contains an entry for this variant (Variation ID: 489870). An algorithm developed to predict the effect of missense changes on protein structure and function (PolyPhen-2) suggests that this variant is likely to be disruptive. In summary, the available evidence is currently insufficient to determine the role of this variant in disease. Therefore, it has been classified as a Variant of Uncertain Significance.

Ambry Genetics
Classification: Uncertain significance for Hereditary cancer-predisposing syndrome. Last evaluated: 2024-04-29. Review status: criteria provided, single submitter. Criteria: Ambry Variant Classification Scheme 2023. Collection method: clinical testing. Allele origin: germline.
Comment: The p.E351Q variant (also known as c.1051G>C), located in coding exon 9 of the CHEK2 gene, results from a G to C substitution at nucleotide position 1051. The glutamic acid at codon 351 is replaced by glutamine, an amino acid with highly similar properties. This amino acid position is highly conserved in available vertebrate species. In addition, this alteration is predicted to be deleterious by in silico analysis. Based on the available evidence, the clinical significance of this variant remains unclear.

Color Diagnostics, LLC DBA Color Health
Classification: Uncertain significance for Hereditary cancer-predisposing syndrome. Last evaluated: 2019-03-05. Review status: criteria provided, single submitter. Criteria: ACMG Guidelines, 2015. Collection method: clinical testing. Allele origin: germline.

NM_007194.4(CHEK2):c.1051G>C (p.Glu351Gln)

Gene: CHEK2 (checkpoint kinase 2; minus strand). Cytogenetic location: 22q12.1.
Variant type: single nucleotide variant.
Coding change: c.1051G>C on transcript NM_007194.4 (MANE Select); coding-DNA position 1051, G replaced by C.
Protein change: p.Glu351Gln; replaces glutamic acid 351 with glutamine.
Molecular consequence: missense variant. On other transcripts: intron variant (3).
Genome position (GRCh38, 1-based): chr22:28,696,945, C>G on the plus strand (G>C on the coding strand, the complement: CHEK2 is on the minus strand). VCF-style: chr22-28696945-C-G. GRCh37 (hg19) VCF-style: chr22-29092933-C-G.
Other names: c.1180G>C, p.Glu394Gln (NM_001005735.3); c.388G>C, p.Glu130Gln (NM_001257387.3, NM_001437942.1); c.850G>C, p.Glu284Gln (NM_001349956.3); c.1144G>C, p.Glu382Gln (NM_001438293.1); c.1009-1072G>C (NM_145862.3); c.1102-1072G>C (NM_001438295.1); c.1138-1072G>C (NM_001438294.1); short protein forms E351Q, E284Q, E394Q, E130Q, E382Q.
Identifiers: ClinVar variation 489870 (VCV000489870.10), dbSNP rs1555914308, ClinGen allele CA411097661.
Genomic context (GRCh38, chr22:28,696,945, plus strand): 5'-AATGCCAATTTCTTACCTTTATAAGACAGTCCTCTTCTTGAGATGACAGTAAAACATTCT[C>G]TGGCTTTAAGTCACGGTGTATAATACCGTTTTCATGAAGGTACTACACAGAAAGGCAGGC-3'
Protein context (NP_009125.1, residues 341-361): NGIIHRDLKP[Glu351Gln]NVLLSSQEED